The following is an entry in ClinVar:

NM_015466.4(PTPN23):c.1106C>T (p.Ser369Leu)

Gene: PTPN23 (protein tyrosine phosphatase non-receptor type 23; plus strand). Cytogenetic location: 3p21.31.
Variant type: single nucleotide variant.
Coding change: c.1106C>T on transcript NM_015466.4 (MANE Select); coding-DNA position 1106, C replaced by T.
Protein change: p.Ser369Leu; replaces serine 369 with leucine.
Molecular consequence: missense variant.
Genome position (GRCh38, 1-based): chr3:47,407,799, C>T. VCF-style: chr3-47407799-C-T. GRCh37 (hg19) VCF-style: chr3-47449289-C-T.
Other names: c.728C>T, p.Ser243Leu (NM_001304482.2); short protein forms S243L, S369L.
Identifiers: ClinVar variation 3690589 (VCV003690589.2).

ClinVar aggregate classification (germline): Uncertain significance (1 of 4 stars; one submission).

Submission:

Labcorp Genetics (formerly Invitae), Labcorp
Classification: Uncertain significance. Last evaluated: 2026-01-05. Review status: criteria provided, single submitter. Criteria: Invitae Variant Classification Sherloc (09022015). Collection method: clinical testing. Allele origin: germline.
Comment: This sequence change replaces serine, which is neutral and polar, with leucine, which is neutral and non-polar, at codon 369 of the PTPN23 protein (p.Ser369Leu). This variant is not present in population databases (gnomAD no frequency). This variant has not been reported in the literature in individuals affected with PTPN23-related conditions. ClinVar contains an entry for this variant (Variation ID: 3690589). Experimental studies and prediction algorithms are not available or were not evaluated, and the functional significance of this variant is currently unknown. In summary, the available evidence is currently insufficient to determine the role of this variant in disease. Therefore, it has been classified as a Variant of Uncertain Significance.